The following is an entry in ClinVar:

NM_016734.3(PAX5):c.889C>G (p.Gln297Glu)

Gene: PAX5 (paired box 5; minus strand). Cytogenetic location: 9p13.2.
Variant type: single nucleotide variant.
Coding change: c.889C>G on transcript NM_016734.3 (MANE Select); coding-DNA position 889, C replaced by G.
Protein change: p.Gln297Glu; replaces glutamine 297 with glutamic acid.
Molecular consequence: missense variant. On other transcripts: intron variant (2).
Genome position (GRCh38, 1-based): chr9:36,923,376, G>C on the plus strand (C>G on the coding strand, the complement: PAX5 is on the minus strand). VCF-style: chr9-36923376-G-C. GRCh37 (hg19) VCF-style: chr9-36923373-G-C.
Other names: c.889C>G, p.Gln297Glu (NM_001280547.2, NM_001280548.2, NM_001280552.2); c.565C>G, p.Gln189Glu (NM_001280551.2, NM_001280556.2); c.760C>G, p.Gln254Glu (NM_001280553.2, NM_001280554.2); c.691C>G, p.Gln231Glu (NM_001280555.2); c.780+43173C>G (NM_001280550.2, NM_001280549.2); short protein forms Q189E, Q254E, Q297E, Q231E.
Identifiers: ClinVar variation 5026303 (VCV005026303.1).

ClinVar aggregate classification (germline): Uncertain significance (1 of 4 stars; one submission).

Conditions:
Inborn genetic diseases. Identifiers: MedGen C0950123, MeSH D030342.

Submission:

Ambry Genetics
Classification: Uncertain significance for Inborn genetic diseases. Last evaluated: 2026-07-22. Review status: criteria provided, single submitter. Criteria: Ambry Variant Classification Scheme 2023. Collection method: clinical testing. Allele origin: germline.
Comment: The p.Q297E variant (also known as c.889C>G), located in coding exon 7 of the PAX5 gene, results from a C to G substitution at nucleotide position 889. The glutamine at codon 297 is replaced by glutamic acid, an amino acid with highly similar properties. This amino acid position is conserved. In addition, this alteration is predicted to be deleterious by in silico analysis. Based on the available evidence, the clinical significance of this variant remains unclear.